The following is an entry in ClinVar:

NM_016292.3(TRAP1):c.1974C>T (p.Arg658=)

Genes: DNASE1 (deoxyribonuclease 1; plus strand), TRAP1 (TNF receptor associated protein 1; minus strand). Cytogenetic location: 16p13.3.
Variant type: single nucleotide variant.
Coding change: c.1974C>T on transcript NM_016292.3 (MANE Select); coding-DNA position 1974, C replaced by T.
Protein change: p.Arg658=; no amino-acid change (arginine 658 retained).
Molecular consequence: synonymous variant. On other transcripts: intron variant (1).
Genome position (GRCh38, 1-based): chr16:3,658,832, G>A on the plus strand (C>T on the coding strand, the complement: TRAP1 is on the minus strand). VCF-style: chr16-3658832-G-A. GRCh37 (hg19) VCF-style: chr16-3708833-G-A.
Other names: c.1815C>T, p.Arg605= (NM_001272049.2); c.*21+965G>A (NM_001387140.1).
Identifiers: ClinVar variation 1633410 (VCV001633410.10), dbSNP rs369893908, ClinGen allele CA7867708.
Genomic context (GRCh38, chr16:3,658,832, plus strand): 5'-ATCCTAAGCTGCTGCACTCACCTGATCCACCAGCAGCTGAGCCAGGCCAGGCTCGCTTGC[G>A]CGCAGCTGATTCAGCTTCTTGATGAGCGCGTGCCTGCAACACAGAACCCACCAGAAAAAG-3'
Protein context (NP_057376.2, residues 648-668): HALIKKLNQL[Arg658=]ASEPGLAQLL

ClinVar aggregate classification (germline): Likely benign. Review status: criteria provided, single submitter (1 of 4 stars). 2 submissions from 2 submitters: Likely benign (1). 1 of the submissions does not count toward it. Last evaluated 2025-07-28.

Conditions:
TRAP1-related disorder. Also called: TRAP1-related condition.

Allele frequency attached by ClinVar (database versions not stated): ExAC 0.00018; gnomAD 0.00005; ESP Exome Variant Server 0.00008; TOPMed 0.00005; gnomAD exomes 0.00014 and 0.00009.
gnomAD v4.1: 152 of 1,613,862 alleles (0.0094%); highest among the groups gnomAD compares: Middle Eastern, 0.082%; 2 homozygotes.

Submissions (2):

Labcorp Genetics (formerly Invitae), Labcorp
Classification: Likely benign. Last evaluated: 2025-07-28. Review status: criteria provided, single submitter. Criteria: Invitae Variant Classification Sherloc (09022015). Collection method: clinical testing. Allele origin: germline.

PreventionGenetics, part of Exact Sciences
Classification: Likely benign for TRAP1-related condition. Last evaluated: 2020-06-30. Review status: no assertion criteria provided. Collection method: clinical testing. Allele origin: germline. Not counted in ClinVar's aggregate classification.
Comment: This variant is classified as likely benign based on ACMG/AMP sequence variant interpretation guidelines (Richards et al. 2015 PMID: 25741868, with internal and published modifications).